The following is an entry in ClinVar:

ClinVar aggregate classification (germline): Uncertain significance. Review status: criteria provided, multiple submitters, no conflicts (2 of 4 stars). 3 submissions from 3 submitters: Uncertain significance (3). Last evaluated 2025-11-26.

Conditions:
RETREG1-related disorder. Also called: RETREG1-related condition.
Inborn genetic diseases. Identifiers: MedGen C0950123, MeSH D030342.

Allele frequency attached by ClinVar (database versions not stated): ExAC 0.00001; gnomAD exomes 0.00002; gnomAD 0.00006; TOPMed 0.00010.
gnomAD v4.1: 21 of 1,611,688 alleles (0.0013%); highest among the groups gnomAD compares: Admixed American, 0.03%; no homozygotes.

Submissions (3):

PreventionGenetics, part of Exact Sciences
Classification: Uncertain significance for RETREG1-related condition. Last evaluated: 2025-11-26. Review status: criteria provided, single submitter. Criteria: ACMG Guidelines, 2015. Collection method: clinical testing. Allele origin: germline.
Comment: The RETREG1 c.687G>T variant is predicted to result in the amino acid substitution p.Leu229Phe. To our knowledge, this variant has not been reported in the literature. This variant is reported in 0.017% of alleles in individuals of Latino descent in gnomAD. At this time, the clinical significance of this variant is uncertain due to the absence of conclusive functional and genetic evidence.

Labcorp Genetics (formerly Invitae), Labcorp
Classification: Uncertain significance. Last evaluated: 2025-02-10. Review status: criteria provided, single submitter. Criteria: Invitae Variant Classification Sherloc (09022015). Collection method: clinical testing. Allele origin: germline.
Comment: This sequence change replaces leucine, which is neutral and non-polar, with phenylalanine, which is neutral and non-polar, at codon 229 of the RETREG1 protein (p.Leu229Phe). This variant is present in population databases (rs748217475, gnomAD 0.02%). This variant has not been reported in the literature in individuals affected with RETREG1-related conditions. ClinVar contains an entry for this variant (Variation ID: 568951). Invitae Evidence Modeling of protein sequence and biophysical properties (such as structural, functional, and spatial information, amino acid conservation, physicochemical variation, residue mobility, and thermodynamic stability) has been performed for this missense variant. However, the output from this modeling did not meet the statistical confidence thresholds required to predict the impact of this variant on RETREG1 protein function. In summary, the available evidence is currently insufficient to determine the role of this variant in disease. Therefore, it has been classified as a Variant of Uncertain Significance.

Ambry Genetics
Classification: Uncertain significance for Inborn genetic diseases. Last evaluated: 2023-12-09. Review status: criteria provided, single submitter. Criteria: Ambry Variant Classification Scheme 2023. Collection method: clinical testing. Allele origin: germline.

NM_001034850.3(RETREG1):c.687G>T (p.Leu229Phe)

Gene: RETREG1 (reticulophagy regulator 1; minus strand). Cytogenetic location: 5p15.1.
Variant type: single nucleotide variant.
Coding change: c.687G>T on transcript NM_001034850.3 (MANE Select); coding-DNA position 687, G replaced by T.
Protein change: p.Leu229Phe; replaces leucine 229 with phenylalanine.
Molecular consequence: missense variant.
Genome position (GRCh38, 1-based): chr5:16,478,971, C>A on the plus strand (G>T on the coding strand, the complement: RETREG1 is on the minus strand). VCF-style: chr5-16478971-C-A. GRCh37 (hg19) VCF-style: chr5-16479080-C-A.
Other names: c.264G>T, p.Leu88Phe (NM_019000.5); c.687G>T (NM_001034850.1); short protein forms L229F, L88F.
Identifiers: ClinVar variation 568951 (VCV000568951.12), dbSNP rs748217475, ClinGen allele CA3210362.